The following is an entry in ClinVar:

NM_001374828.1(ARID1B):c.928G>C (p.Val310Leu)

Genes: ARID1B (AT-rich interaction domain 1B; plus strand), LOC129997525 (ATAC-STARR-seq lymphoblastoid silent region 17712; plus strand). Cytogenetic location: 6q25.3.
Variant type: single nucleotide variant.
Coding change: c.928G>C on transcript NM_001374828.1 (MANE Select); coding-DNA position 928, G replaced by C.
Protein change: p.Val310Leu; replaces valine 310 with leucine.
Molecular consequence: missense variant.
Genome position (GRCh38, 1-based): chr6:156,778,608, G>C. VCF-style: chr6-156778608-G-C. GRCh37 (hg19) VCF-style: chr6-157099742-G-C.
Other names: c.679G>C (NM_020732.3); c.928G>C, p.Val310Leu (NM_001371656.1, NM_001374820.1, NM_017519.3); short protein forms V310L.
Identifiers: ClinVar variation 444703 (VCV000444703.46), dbSNP rs777266582, ClinGen allele CA4066688.

ClinVar aggregate classification (germline): Likely benign. Review status: criteria provided, multiple submitters, no conflicts (2 of 4 stars). 3 submissions from 3 submitters: Likely benign (3). Last evaluated 2025-12-22.

Conditions:
Inborn genetic diseases. Identifiers: MedGen C0950123, MeSH D030342.

Allele frequency attached by ClinVar (database versions not stated): gnomAD 0.00004 and 0.00005; 1000 Genomes Project 30x 0.00016; ExAC 0.00024.
gnomAD v4.1: 73 of 1,335,614 alleles (0.0055%); highest among the groups gnomAD compares: South Asian, 0.027%; no homozygotes.

Submissions (3):

Dasa
Classification: Likely benign. Last evaluated: 2025-12-22. Review status: criteria provided, single submitter. Criteria: DASA Assertion Criteria. Collection method: clinical testing. Allele origin: germline.
Comment: NM_001374828.1(ARID1B):c.928G>C (p.Val310Leu) is a missense variant that results in the substitution of valine with leucine. Computational prediction algorithms are consistent with a benign effect. Therefore, based on the currently available evidence, this variant is classified as likely benign.

Ambry Genetics
Classification: Likely benign for Inborn genetic diseases. Last evaluated: 2023-09-22. Review status: criteria provided, single submitter. Criteria: Ambry Variant Classification Scheme 2023. Collection method: clinical testing. Allele origin: germline.

CeGaT Center for Human Genetics Tuebingen
Classification: Likely benign. Last evaluated: 2023-01-01. Review status: criteria provided, single submitter. Criteria: CeGaT Center For Human Genetics Tuebingen Variant Classification Criteria Version 2. Collection method: clinical testing. Allele origin: germline. Affected: yes. Observed: 2 variant alleles.
Comment: ARID1B: BS1